The following is an entry in ClinVar:

ClinVar aggregate classification (germline): Pathogenic (1 of 4 stars; one submission).

Conditions:
Primary ciliary dyskinesia. Also called: Ciliary dyskinesia. Identifiers: Orphanet 244, MedGen C0008780, MONDO:0016575, HP:0012265.

Submission:

Labcorp Genetics (formerly Invitae), Labcorp
Classification: Pathogenic for Primary ciliary dyskinesia. Last evaluated: 2023-08-11. Review status: criteria provided, single submitter. Criteria: Invitae Variant Classification Sherloc (09022015). Collection method: clinical testing. Allele origin: germline.
Comment: For these reasons, this variant has been classified as Pathogenic. Algorithms developed to predict the effect of sequence changes on RNA splicing suggest that this variant may disrupt the consensus splice site. This variant has not been reported in the literature in individuals affected with DNAH8-related conditions. This variant is not present in population databases (gnomAD no frequency). This sequence change creates a premature translational stop signal (p.Ser2703*) in the DNAH8 gene. It is expected to result in an absent or disrupted protein product. Loss-of-function variants in DNAH8 are known to be pathogenic (PMID: 24307375, 32619401, 32681648).

Literature cited by the submitters: PubMed 24307375; PubMed 32619401; PubMed 32681648.

NM_001206927.2(DNAH8):c.8108C>A (p.Ser2703Ter)

Gene: DNAH8 (dynein axonemal heavy chain 8; plus strand). Cytogenetic location: 6p21.2.
Variant type: single nucleotide variant.
Coding change: c.8108C>A on transcript NM_001206927.2 (MANE Select); coding-DNA position 8108, C replaced by A.
Protein change: p.Ser2703Ter; replaces serine 2703 with a stop codon.
Molecular consequence: nonsense.
Genome position (GRCh38, 1-based): chr6:38,883,428, C>A. VCF-style: chr6-38883428-C-A. GRCh37 (hg19) VCF-style: chr6-38851204-C-A.
Other names: c.7457C>A, p.Ser2486Ter (NM_001371.4); short protein forms S2486*, S2703*.
Identifiers: ClinVar variation 2751953 (VCV002751953.3), dbSNP rs2533205504, ClinGen allele CA363991836.